The following is an entry in ClinVar:

NM_203290.4(POLR1C):c.608G>A (p.Arg203Gln)

Gene: POLR1C (RNA polymerase I and III subunit C; plus strand). Cytogenetic location: 6p21.1.
Variant type: single nucleotide variant.
Coding change: c.608G>A on transcript NM_203290.4 (MANE Select); coding-DNA position 608, G replaced by A.
Protein change: p.Arg203Gln; replaces arginine 203 with glutamine.
Molecular consequence: missense variant.
Genome position (GRCh38, 1-based): chr6:43,520,380, G>A. VCF-style: chr6-43520380-G-A. GRCh37 (hg19) VCF-style: chr6-43488118-G-A.
Other names: c.608G>A, p.Arg203Gln (NM_001318876.2, NM_001363658.2); short protein forms R203Q.
Identifiers: ClinVar variation 1064896 (VCV001064896.8), dbSNP rs767435882, ClinGen allele CA3825504.

ClinVar aggregate classification (germline): Uncertain significance. Review status: criteria provided, multiple submitters, no conflicts (2 of 4 stars). 2 submissions from 2 submitters: Uncertain significance (2). Last evaluated 2024-12-03.

Conditions:
Hearing impairment. Also called: Impaired Hearing. Identifiers: MedGen C1384666, MONDO:0005365, HP:0000365.

Allele frequency attached by ClinVar (database versions not stated): TOPMed 0.00002; ExAC 0.00003; gnomAD exomes 0.00004.
gnomAD v4.1: 10 of 1,613,814 alleles (0.00062%); highest among the groups gnomAD compares: Admixed American, 0.0067%; 1 homozygote.

Submissions (2):

Labcorp Genetics (formerly Invitae), Labcorp
Classification: Uncertain significance. Last evaluated: 2024-12-03. Review status: criteria provided, single submitter. Criteria: Invitae Variant Classification Sherloc (09022015). Collection method: clinical testing. Allele origin: germline.
Comment: This sequence change replaces arginine, which is basic and polar, with glutamine, which is neutral and polar, at codon 203 of the POLR1C protein (p.Arg203Gln). This variant is present in population databases (rs767435882, gnomAD 0.02%), including at least one homozygous and/or hemizygous individual. This variant has not been reported in the literature in individuals affected with POLR1C-related conditions. ClinVar contains an entry for this variant (Variation ID: 1064896). Invitae Evidence Modeling of protein sequence and biophysical properties (such as structural, functional, and spatial information, amino acid conservation, physicochemical variation, residue mobility, and thermodynamic stability) indicates that this missense variant is not expected to disrupt POLR1C protein function with a negative predictive value of 80%. In summary, the available evidence is currently insufficient to determine the role of this variant in disease. Therefore, it has been classified as a Variant of Uncertain Significance.

Department of Otolaryngology – Head & Neck Surgery, Cochlear Implant Center
Classification: Uncertain significance for Hearing impairment. Last evaluated: 2021-04-12. Review status: criteria provided, single submitter. Criteria: ClinGen HL ACMG Specifications v1. Collection method: clinical testing. Allele origin: germline. Affected: yes.
Comment: PM2_Moderate, PP3_Supporting